The following is an entry in ClinVar:

NM_003410.4(ZFX):c.2081A>G (p.His694Arg)

Gene: ZFX (zinc finger protein X-linked; plus strand). Cytogenetic location: Xp22.11.
Variant type: single nucleotide variant.
Coding change: c.2081A>G on transcript NM_003410.4 (MANE Select); coding-DNA position 2081, A replaced by G.
Protein change: p.His694Arg; replaces histidine 694 with arginine.
Molecular consequence: missense variant. On other transcripts: 3 prime UTR variant (1).
Genome position (GRCh38, 1-based): chrX:24,211,039, A>G. VCF-style: chrX-24211039-A-G. GRCh37 (hg19) VCF-style: chrX-24229156-A-G.
Other names: c.2081A>G, p.His694Arg (NM_001178084.2, NM_001178085.1); c.1394A>G, p.His465Arg (NM_001178086.2); c.*841A>G (NM_001178095.2); c.2198A>G, p.His733Arg (NM_001330327.2); short protein forms H465R, H694R, H733R.
Identifiers: ClinVar variation 3906346 (VCV003906346.1).
Genomic context (GRCh38, chrX:24,211,039, plus strand): 5'-CTTCAGAACTCAAGAAACACGTGGCTGCCCACAAGGGCAAAAAAATGCACCAGTGTAGAC[A>G]TTGTGACTTTAAGATTGCAGATCCATTTGTTCTAAGTCGCCATATTCTCTCAGTTCACAC-3'
Protein context (NP_003401.2, residues 684-704): HKGKKMHQCR[His694Arg]CDFKIADPFV

ClinVar aggregate classification (germline): Uncertain significance (1 of 4 stars; one submission).

Submission:

GeneDx
Classification: Uncertain significance. Last evaluated: 2024-12-19. Review status: criteria provided, single submitter. Criteria: GeneDx Variant Classification Process June 2021. Collection method: clinical testing. Allele origin: germline. Affected: yes.
Comment: Not observed at significant frequency in large population cohorts (gnomAD); In silico analysis supports that this missense variant has a deleterious effect on protein structure/function; Has not been previously published as pathogenic or benign to our knowledge